The following is an entry in ClinVar:

ClinVar aggregate classification (germline): Likely benign. Review status: criteria provided, multiple submitters, no conflicts (2 of 4 stars). 6 submissions from 6 submitters: Likely benign (6). Last evaluated 2025-11-09.

Conditions:
Cardiovascular phenotype. Identifiers: MedGen CN230736.
Cardiomyopathy (CMYO). Also called: Cardiomyopathies. Identifiers: Orphanet 167848, MedGen C0878544, MONDO:0004994, HP:0001638. Inheritance: Various modes of inheritance.
Catecholaminergic polymorphic ventricular tachycardia 1. Also called: VENTRICULAR TACHYCARDIA, STRESS-INDUCED POLYMORPHIC 1; RYR2-Related Catecholaminergic Polymorphic Ventricular Tachycardia; VENTRICULAR TACHYCARDIA, CATECHOLAMINERGIC POLYMORPHIC, 1, WITH OR WITHOUT ATRIAL DYSFUNCTION AND/OR DILATED CARDIOMYOPATHY. Identifiers: Orphanet 3286, MedGen C1631597, MONDO:0011484, OMIM 604772.

Allele frequency attached by ClinVar (database versions not stated): TOPMed 0.00005; ESP Exome Variant Server 0.00008; gnomAD 0.00009 and 0.00011; gnomAD exomes 0.00012 and 0.00014; ExAC 0.00017.
gnomAD v4.1: 188 of 1,612,902 alleles (0.012%); highest among the groups gnomAD compares: Middle Eastern, 0.049%; no homozygotes.

Submissions (6):

Labcorp Genetics (formerly Invitae), Labcorp
Classification: Likely benign for Catecholaminergic polymorphic ventricular tachycardia 1. Last evaluated: 2025-11-09. Review status: criteria provided, single submitter. Criteria: Invitae Variant Classification Sherloc (09022015). Collection method: clinical testing. Allele origin: germline.

Molecular Diagnostic Laboratory for Inherited Cardiovascular Disease, Montreal Heart Institute
Classification: Likely benign. Last evaluated: 2025-04-09. Review status: criteria provided, single submitter. Criteria: ACMG Guidelines, 2015. Collection method: clinical testing. Allele origin: germline. Affected: no.
Comment: PM1, PP2, BS1, BP4, BP6

Ambry Genetics
Classification: Likely benign for Cardiovascular phenotype. Last evaluated: 2025-01-29. Review status: criteria provided, single submitter. Criteria: Ambry Variant Classification Scheme 2023. Collection method: clinical testing. Allele origin: germline.

Blueprint Genetics
Classification: Likely benign. Last evaluated: 2024-10-31. Review status: criteria provided, single submitter. Criteria: ACMG Guidelines, 2015. Collection method: clinical testing. Allele origin: germline.

GeneDx
Classification: Likely benign. Last evaluated: 2021-05-06. Review status: criteria provided, single submitter. Criteria: GeneDx Variant Classification Process June 2021. Collection method: clinical testing. Allele origin: germline. Affected: yes.
Comment: This variant is associated with the following publications: (PMID: 31402444, 31043699, 29032884, 17956252, 22222782, 25041964, 26350513)

Color Diagnostics, LLC DBA Color Health
Classification: Likely benign for Cardiomyopathy. Last evaluated: 2019-01-17. Review status: criteria provided, single submitter. Criteria: ACMG Guidelines, 2015. Collection method: clinical testing. Allele origin: germline.

NM_001035.3(RYR2):c.7099G>A (p.Gly2367Arg)

Gene: RYR2 (ryanodine receptor 2; plus strand). Cytogenetic location: 1q43.
Variant type: single nucleotide variant.
Coding change: c.7099G>A on transcript NM_001035.3 (MANE Select); coding-DNA position 7099, G replaced by A.
Protein change: p.Gly2367Arg; replaces glycine 2367 with arginine.
Molecular consequence: missense variant.
Genome position (GRCh38, 1-based): chr1:237,639,185, G>A. VCF-style: chr1-237639185-G-A. GRCh37 (hg19) VCF-style: chr1-237802485-G-A.
Other names: c.7099G>A, p.Gly2367Arg (LRG_402t1); short protein forms G2367R.
Identifiers: ClinVar variation 519433 (VCV000519433.25), dbSNP rs369152386, ClinGen allele CA087282.
Genomic context (GRCh38, chr1:237,639,185, plus strand): 5'-ATGGAAGAAGCCATCAAAATCGCCGAGGATCCTTCCCGAGATGGTCCCTCACCAAATAGC[G>A]GATCCAGTAAAACACTGTAGGTCTAATATACACACCCTCACGAGTGATCCATACTACTTG-3'
Protein context (NP_001026.2, residues 2357-2377): PSRDGPSPNS[Gly2367Arg]SSKTLDTEEE